The following is an entry in ClinVar:

NM_000090.4(COL3A1):c.3994A>G (p.Met1332Val)

Gene: COL3A1 (collagen type III alpha 1 chain; plus strand). Cytogenetic location: 2q32.2.
Variant type: single nucleotide variant.
Coding change: c.3994A>G on transcript NM_000090.4 (MANE Select); coding-DNA position 3994, A replaced by G.
Protein change: p.Met1332Val; replaces methionine 1332 with valine.
Molecular consequence: missense variant.
Genome position (GRCh38, 1-based): chr2:189,010,348, A>G. VCF-style: chr2-189010348-A-G. GRCh37 (hg19) VCF-style: chr2-189875074-A-G.
Other names: short protein forms M1332V.
Identifiers: ClinVar variation 3072028 (VCV003072028.3), dbSNP rs758779274, ClinGen allele CA076375.

ClinVar aggregate classification (germline): Uncertain significance. Review status: criteria provided, multiple submitters, no conflicts (2 of 4 stars). 2 submissions from 2 submitters: Uncertain significance (2). Last evaluated 2025-07-12.

Conditions:
Ehlers-Danlos syndrome, type 4 (EDSVASC). Also called: Ehlers-Danlos Syndrome Type IV; Ehlers-Danlos syndrome vascular type; Ehlers Danlos syndrome, ecchymotic type; Ehlers Danlos syndrome, arterial type; Ehlers Danlos syndrome, Sack-Barabas type. Identifiers: Orphanet 286, MedGen C0268338, MONDO:0017314, OMIM 130050.

Allele frequency attached by ClinVar (database versions not stated): gnomAD exomes below 0.00001; TOPMed below 0.00001; ExAC 0.00001; gnomAD 0.00002.

Submissions (2):

GeneDx
Classification: Uncertain significance. Last evaluated: 2025-07-12. Review status: criteria provided, single submitter. Criteria: GeneDx Variant Classification Process June 2021. Collection method: clinical testing. Allele origin: germline. Affected: yes.
Comment: Has not been previously published as pathogenic or benign to our knowledge; In silico analysis suggests that this missense variant does not alter protein structure/function; Not observed at significant frequency in large population cohorts (gnomAD); Not located in the triple helical region, where the majority of pathogenic missense variants occur (HGMD)

All of Us Research Program, National Institutes of Health
Classification: Uncertain significance for Ehlers-Danlos syndrome, type 4. Last evaluated: 2024-05-09. Review status: criteria provided, single submitter. Criteria: ACMG Guidelines, 2015. Collection method: clinical testing. Allele origin: germline. Inheritance: Autosomal dominant inheritance. Observed: 3 variant alleles, 3 heterozygotes.
Comment: This missense variant replaces methionine with valine at codon 1332 of the COL3A1 protein. Computational prediction suggests that this variant may not impact protein structure and function (internally defined REVEL score threshold <= 0.5, PMID: 27666373). To our knowledge, functional studies have not been reported for this variant. This variant has not been reported in individuals affected with COL3A1-related disorders in the literature. This variant has been identified in 3/282786 chromosomes in the general population by the Genome Aggregation Database (gnomAD). The available evidence is insufficient to determine the role of this variant in disease conclusively. Therefore, this variant is classified as a Variant of Uncertain Significance.

This study involves interpretation of variants in research participants for the purpose of population health screening. Participant phenotype was not available at the time of variant classification. Additional details can be found in publication PMID: 35346344, PMCID: PMC8962531